The following is an entry in ClinVar:

NM_001005242.3(PKP2):c.257dup (p.Tyr86Ter)

Gene: PKP2 (plakophilin 2; minus strand). Cytogenetic location: 12p11.21.
Variant type: Duplication.
Coding change: c.257dup on transcript NM_001005242.3 (MANE Select); coding-DNA position 257, one base duplicated (A; older notation c.257dupA).
Protein change: p.Tyr86Ter; replaces tyrosine 86 with a stop codon.
Molecular consequence: nonsense.
Genome position (GRCh38, 1-based): chr12:32,878,999, T duplicated on the plus strand (A on the coding strand, the reverse complement: PKP2 is on the minus strand). VCF-style (leftmost placement, unchanged base first): chr12-32878998-A-AT. GRCh37 (hg19) VCF-style: chr12-33031932-A-AT.
Other names: c.257dup, p.Tyr86Ter (NM_004572.4); c.257dupA (NM_004572.3); short protein forms Y86*.
Identifiers: ClinVar variation 452249 (VCV000452249.5), dbSNP rs1555148271, ClinGen allele CA658658132.

ClinVar aggregate classification (germline): Pathogenic. Review status: criteria provided, multiple submitters, no conflicts (2 of 4 stars). 3 submissions from 3 submitters: Pathogenic (3). Last evaluated 2023-07-19.

Conditions:
Cardiovascular phenotype. Identifiers: MedGen CN230736.
Arrhythmogenic right ventricular cardiomyopathy (ARVD). Also called: Cardiomyopathy, ARVC; Arrhythmogenic right ventricular dysplasia; Arrhythmogenic cardiomyopathy; Arrhythmogenic Right Ventricular Cardiomyopathy (ARVC). Identifiers: Orphanet 247, MedGen C0349788, MeSH D019571, MONDO:0016587. Disease mechanism: loss of function. Inheritance: Various modes of inheritance.

Submissions (3):

All of Us Research Program, National Institutes of Health
Classification: Pathogenic for Arrhythmogenic right ventricular cardiomyopathy. Last evaluated: 2023-07-19. Review status: criteria provided, single submitter. Criteria: ACMG Guidelines, 2015. Collection method: clinical testing. Allele origin: germline. Inheritance: Autosomal dominant inheritance. Observed: 1 variant allele, 1 heterozygote.
Comment: This variant changes 1 nucleotide in exon 2 of the PKP2 gene, creating a premature translation stop signal. This variant is expected to result in an absent or non-functional protein product. To our knowledge, this variant has not been reported in individuals affected with PKP2-related disorders in the literature. This variant has not been identified in the general population by the Genome Aggregation Database (gnomAD). A different DNA change (c.258T>G) resulting in the same amino acid change as this variant has been reported in an individual affected with arrhythmogenic right ventricular cardiomyopathy (PMID: 16567567). Loss of PKP2 function is a known mechanism of disease. Based on the available evidence, this variant is classified as Pathogenic.

This study involves interpretation of variants in research participants for the purpose of population health screening. Participant phenotype was not available at the time of variant classification. Additional details can be found in publication PMID: 35346344, PMCID: PMC8962531

Ambry Genetics
Classification: Pathogenic for Cardiovascular phenotype. Last evaluated: 2021-12-27. Review status: criteria provided, single submitter. Criteria: Ambry Variant Classification Scheme 2023. Collection method: clinical testing. Allele origin: germline.
Comment: The c.257dupA pathogenic mutation, located in coding exon 2 of the PKP2 gene, results from a duplication of A at nucleotide position 257, causing a translational frameshift with a predicted alternate stop codon (p.Y86*). This variant has been identified in several individuals with arrhythmogenic right ventricular cardiomyopathy (ARVC) (Groeneweg JA et al. Circ Cardiovasc Genet, 2015 Jun;8:437-46; Groeneweg JA et al. Am J Cardiol, 2013 Oct;112:1197-206; Cox MG et al. Circulation, 2011 Jun;123:2690-700; van Tintelen JP et al. Circulation, 2006 Apr;113:1650-8). This variant is considered to be rare based on population cohorts in the Genome Aggregation Database (gnomAD). In addition to the clinical data presented in the literature, this alteration is expected to result in loss of function by premature protein truncation or nonsense-mediated mRNA decay. As such, this alteration is interpreted as a disease-causing mutation.

GeneDx
Classification: Pathogenic. Last evaluated: 2017-10-05. Review status: criteria provided, single submitter. Criteria: GeneDx Variant Classification (06012015). Collection method: clinical testing. Allele origin: germline. Affected: yes.
Comment: Although the c.257dupA (Y86X) variant in the PKP2 gene has not been reported as a pathogenic or benign to our knowledge, this variant is predicted to cause loss of normal protein function either by protein truncation or nonsense-mediated mRNA decay, in a gene for which loss-of-function is a known mechanism of disease. Though data from control individuals in publicly available databases is not available to assess the frequency of c.257dupA in the general population, a missense variant (c.258 T>G) in the PKP2 gene resulting in the same amino acid change (Y86X) is absent from large population cohorts (Lek et al., 2016), and is classified as pathogenic by GeneDx. Additionally, multiple other downstream nonsense variants in the PKP2 gene have been reported in the Human Gene Mutation Database in association with ARVC (Stenson et al., 2014).

Literature cited by the submitters: PubMed 16567567 (cited by All of Us Research Program, National Institutes of Health and Ambry Genetics); PubMed 21606396 (cited by Ambry Genetics); PubMed 23871674 (cited by Ambry Genetics); PubMed 25820315 (cited by Ambry Genetics).